The following is an entry in ClinVar:

NM_014423.4(AFF4):c.516_518dup (p.Glu172_His173insGln)

Gene: AFF4 (ALF transcription elongation factor 4; minus strand). Cytogenetic location: 5q31.1.
Variant type: Duplication.
Coding change: c.516_518dup on transcript NM_014423.4 (MANE Select); coding-DNA positions 516 to 518, 3 bases duplicated (ACA; older notation c.516_518dupACA).
Protein change: p.Glu172_His173insGln.
Molecular consequence: inframe insertion.
Genome position (GRCh38, 1-based): chr5:132,934,547-132,934,549, TGT duplicated on the plus strand (ACA on the coding strand, the reverse complement: AFF4 is on the minus strand); duplicating any 3 consecutive bases within chr5:132,934,547-132,934,550 gives the same sequence; the c. name uses the placement nearest the transcript's 3' end. VCF-style (leftmost placement, unchanged base first): chr5-132934546-G-GTGT. GRCh37 (hg19) VCF-style: chr5-132270238-G-GTGT.
Other names: c.516_518dupACA (NM_014423.3).
Identifiers: ClinVar variation 591050 (VCV000591050.8), dbSNP rs755428630, ClinGen allele CA127295326.

ClinVar aggregate classification (germline): Conflicting classifications of pathogenicity. Review status: criteria provided, conflicting classifications (1 of 4 stars). 5 submissions from 5 submitters: Uncertain significance (3); Likely benign (1). 1 of the submissions does not count toward it. Last evaluated 2025-05-09.

Conditions:
AFF4-related disorder. Also called: AFF4-related condition.
Cognitive impairment - coarse facies - heart defects - obesity - pulmonary involvement - short stature - skeletal dysplasia syndrome. Also called: AFF4-Related CHOPS Syndrome; COGNITIVE IMPAIRMENT, COARSE FACIES, HEART DEFECTS, OBESITY, PULMONARY INVOLVEMENT, SHORT STATURE, AND SKELETAL DYSPLASIA; Chops syndrome. Identifiers: Orphanet 444077, MedGen C4085597, MONDO:0014609, OMIM 616368.

Submissions (5):

PreventionGenetics, part of Exact Sciences
Classification: Uncertain significance for AFF4-related condition. Last evaluated: 2025-05-09. Review status: criteria provided, single submitter. Criteria: ACMG Guidelines, 2015. Collection method: clinical testing. Allele origin: germline.
Comment: The AFF4 c.516_518dupACA variant is predicted to result in an in-frame duplication (p.Glu172_His173insGln). To our knowledge, this variant has not been reported in the literature or in a large population database, indicating this variant is rare. At this time, the clinical significance of this variant is uncertain due to the absence of conclusive functional and genetic evidence.

Labcorp Genetics (formerly Invitae), Labcorp
Classification: Uncertain significance for Cognitive impairment - coarse facies - heart defects - obesity - pulmonary involvement - short stature - skeletal dysplasia syndrome. Last evaluated: 2024-09-29. Review status: criteria provided, single submitter. Criteria: Invitae Variant Classification Sherloc (09022015). Collection method: clinical testing. Allele origin: germline.
Comment: This variant, c.516_518dup, results in the insertion of 1 amino acid(s) of the AFF4 protein (p.Glu172_His173insGln), but otherwise preserves the integrity of the reading frame. This variant is not present in population databases (gnomAD no frequency). This variant has not been reported in the literature in individuals affected with AFF4-related conditions. ClinVar contains an entry for this variant (Variation ID: 591050). In summary, the available evidence is currently insufficient to determine the role of this variant in disease. Therefore, it has been classified as a Variant of Uncertain Significance.

Blueprint Genetics
Classification: Likely benign. Last evaluated: 2024-06-12. Review status: criteria provided, single submitter. Criteria: ACMG Guidelines, 2015. Collection method: clinical testing. Allele origin: germline.

Breakthrough Genomics
Classification: Uncertain significance. Review status: criteria provided, single submitter. Criteria: ACMG Guidelines, 2015. Collection method: not provided. Allele origin: germline. Inheritance: Autosomal dominant inheritance. Affected: yes.

Gharavi Laboratory, Columbia University
Classification: Uncertain significance. Last evaluated: 2018-09-16. Review status: no assertion criteria provided. Criteria: ACMG Guidelines, 2015. Collection method: research. Allele origin: germline. Affected: yes. Not counted in ClinVar's aggregate classification.